The following is an entry in ClinVar:

NM_033380.3(COL4A5):c.1532del (p.Pro511fs)

Gene: COL4A5 (collagen type IV alpha 5 chain; plus strand). Cytogenetic location: Xq22.3.
Variant type: Deletion.
Coding change: c.1532del on transcript NM_033380.3 (MANE Select); coding-DNA position 1532, one base deleted (C; older notation c.1532delC).
Protein change: p.Pro511fs; shifts the reading frame from proline 511.
Molecular consequence: frameshift variant.
Genome position (GRCh38, 1-based): chrX:108,597,013, C deleted; the last of 3 consecutive C bases (chrX:108,597,011-108,597,013); deleting any one gives the same sequence. VCF-style (leftmost placement, unchanged base first): chrX-108597010-TC-T. GRCh37 (hg19) VCF-style: chrX-107840240-TC-T.
Other names: c.1532del, p.Pro511fs (NM_000495.5); short protein forms P511fs.
Identifiers: ClinVar variation 988155 (VCV000988155.1), dbSNP rs2066528020, ClinGen allele CA2450688211.
Genomic context (GRCh38, chrX:108,597,010, plus strand): 5'-CTTACGTTATTGTGTGTGTGTGTGTTTGTTTGTGTGTGTGTGTGTTAGGATCTCTTGGTT[TC>T]CCTGGACAGAAAGGGGAAAAAGGACAAGCTGGTGCAACTGGTCCCAAAGGATTACCAGTA-3'

ClinVar aggregate classification (germline): Likely pathogenic (0 of 4 stars; one submission).

Conditions:
Alport syndrome. Also called: Hemorrhagic familial nephritis; Hemorrhagic hereditary nephritis; Congenital hereditary hematuria. Identifiers: Orphanet 63, MedGen C1567741, MONDO:0018965.

Submission:

Sydney Genome Diagnostics, Children's Hospital Westmead
Classification: Likely pathogenic for Alport syndrome. Last evaluated: 2019-08-16. Review status: no assertion criteria provided. Collection method: clinical testing. Allele origin: unknown. Affected: yes. Observed: 1 variant allele, 1 heterozygote.
Comment: This frameshifting variant is predicted to create a premature stop codon p.(Pro511Leufs*46) and may result in a null allele due to nonsense-mediated mRNA decay. The variant has not been reported in any population databases (i.e. gnomAD, ExAC, ESP or dbSNP). To our knowledge, this variant has not been previously reported in the literature or any disease specific databases. However, other truncating variants downstream of this amino acid have been described in the literature Alport (COL4A5) database. This variant is considered to be likely pathogenic according to the ACMG guidelines (Evidence used: PVS1, PM2).